The following is an entry in ClinVar:

NM_007289.4(MME):c.389T>C (p.Ile130Thr)

Gene: MME (membrane metalloendopeptidase; plus strand). Cytogenetic location: 3q25.2.
Variant type: single nucleotide variant.
Coding change: c.389T>C on transcript NM_007289.4 (MANE Select); coding-DNA position 389, T replaced by C.
Protein change: p.Ile130Thr; replaces isoleucine 130 with threonine.
Molecular consequence: missense variant.
Genome position (GRCh38, 1-based): chr3:155,116,509, T>C. VCF-style: chr3-155116509-T-C. GRCh37 (hg19) VCF-style: chr3-154834298-T-C.
Other names: c.389T>C (NM_007289.2); c.389T>C, p.Ile130Thr (NM_000902.5, NM_001354642.2, NM_001354643.1 and 2 more transcripts); short protein forms I130T.
Identifiers: ClinVar variation 1443537 (VCV001443537.5), dbSNP rs200313798, ClinGen allele CA2675132.

ClinVar aggregate classification (germline): Uncertain significance. Review status: criteria provided, multiple submitters, no conflicts (2 of 4 stars). 3 submissions from 3 submitters: Uncertain significance (3). Last evaluated 2025-10-08.

Conditions:
Inborn genetic diseases. Identifiers: MedGen C0950123, MeSH D030342.
Charcot-Marie-Tooth disease axonal type 2T. Identifiers: Orphanet 443950, MedGen C4015635, OMIM 617017, MONDO:0014866.

Allele frequency attached by ClinVar (database versions not stated): TOPMed 0.00001; gnomAD exomes 0.00003 and 0.00002; 1000 Genomes Project 30x 0.00031; gnomAD 0.00003 and 0.00001; ExAC 0.00007; 1000 Genomes Project 0.00040.
gnomAD v4.1: 34 of 1,612,750 alleles (0.0021%); highest among the groups gnomAD compares: South Asian, 0.025%; no homozygotes.

Submissions (3):

Ambry Genetics
Classification: Uncertain significance for Inborn genetic diseases. Last evaluated: 2025-10-08. Review status: criteria provided, single submitter. Criteria: Ambry Variant Classification Scheme 2023. Collection method: clinical testing. Allele origin: germline.

Labcorp Genetics (formerly Invitae), Labcorp
Classification: Uncertain significance. Last evaluated: 2021-11-14. Review status: criteria provided, single submitter. Criteria: Invitae Variant Classification Sherloc (09022015). Collection method: clinical testing. Allele origin: germline.
Comment: This sequence change replaces isoleucine, which is neutral and non-polar, with threonine, which is neutral and polar, at codon 130 of the MME protein (p.Ile130Thr). This variant is present in population databases (rs200313798, gnomAD 0.03%). This variant has not been reported in the literature in individuals affected with MME-related conditions. Algorithms developed to predict the effect of missense changes on protein structure and function are either unavailable or do not agree on the potential impact of this missense change (SIFT: "Tolerated"; PolyPhen-2: "Possibly Damaging"; Align-GVGD: "Class C0"). In summary, the available evidence is currently insufficient to determine the role of this variant in disease. Therefore, it has been classified as a Variant of Uncertain Significance.

Neuberg Centre For Genomic Medicine, NCGM
Classification: Uncertain significance for Charcot-Marie-Tooth disease axonal type 2T. Review status: criteria provided, single submitter. Criteria: ACMG Guidelines, 2015. Collection method: clinical testing. Allele origin: germline. Inheritance: Autosomal dominant inheritance. Affected: yes.
Comment: The missense variant c.389T>C (p.Ile130Thr) in MME has been submitted to ClinVar as a Variant of Uncertain Significance, but no details are available for independent assessment. It has not been reported in affected individuals. The variant is observed in 0.003% alleles in gnomAD Exomes and is novel (not in any individuals) in 1000 Genomes. The amino acid Ile at position 130 is changed to a Thr changing protein sequence and it might alter its composition and physico-chemical properties. The amino acid change p.Ile130Thr in MME is predicted as conserved by GERP++ and PhyloP across 100 vertebrates. For these reasons, this variant has been classified as Uncertain significance.